The following is an entry in ClinVar:

NM_000179.3(MSH6):c.1267C>G (p.Leu423Val)

Gene: MSH6 (mutS homolog 6; plus strand). Cytogenetic location: 2p16.3.
Variant type: single nucleotide variant.
Coding change: c.1267C>G on transcript NM_000179.3 (MANE Select); coding-DNA position 1267, C replaced by G.
Protein change: p.Leu423Val; replaces leucine 423 with valine.
Molecular consequence: missense variant.
Genome position (GRCh38, 1-based): chr2:47,799,250, C>G. VCF-style: chr2-47799250-C-G. GRCh37 (hg19) VCF-style: chr2-48026389-C-G.
Other names: c.877C>G, p.Leu293Val (NM_001281492.2); c.361C>G, p.Leu121Val (NM_001281493.2, NM_001281494.2); short protein forms L423V, L121V, L293V.
Identifiers: ClinVar variation 141322 (VCV000141322.17), dbSNP rs587781657, ClinGen allele CA008397.

ClinVar aggregate classification (germline): Conflicting classifications of pathogenicity. Review status: criteria provided, conflicting classifications (1 of 4 stars). 5 submissions from 5 submitters: Uncertain significance (4); Benign (1). Last evaluated 2025-10-16.

Conditions:
Hereditary nonpolyposis colorectal neoplasms. Identifiers: MedGen C0009405, MeSH D003123.
Hereditary cancer-predisposing syndrome. Also called: Neoplastic Syndromes, Hereditary; Tumor predisposition; Hereditary Cancer Syndrome; Hereditary neoplastic syndrome. Identifiers: Orphanet 140162, MedGen C0027672, MeSH D009386, MONDO:0015356.

Allele frequency attached by ClinVar (database versions not stated): TOPMed 0.00001.
gnomAD v4.1: 5 of 1,614,008 alleles (0.00031%); highest among the groups gnomAD compares: Non-Finnish European, 0.00042%; no homozygotes.

Submissions (5):

Labcorp Genetics (formerly Invitae), Labcorp
Classification: Benign for Hereditary nonpolyposis colorectal neoplasms. Last evaluated: 2025-10-16. Review status: criteria provided, single submitter. Criteria: Invitae Variant Classification Sherloc (09022015). Collection method: clinical testing. Allele origin: germline.

Color Diagnostics, LLC DBA Color Health
Classification: Uncertain significance for Hereditary cancer-predisposing syndrome. Last evaluated: 2024-06-17. Review status: criteria provided, single submitter. Criteria: ACMG Guidelines, 2015. Collection method: clinical testing. Allele origin: germline.
Comment: This missense variant replaces leucine with valine at codon 423 of the MSH6 protein. Computational prediction suggests that this variant may not impact protein structure and function (internally defined REVEL score threshold <= 0.5, PMID: 27666373). To our knowledge, functional studies have not been reported for this variant. This variant has been reported in an individual from a cohort comprised predominantly with individuals affected with colorectal, endometrial and ovarian cancer (PMID: 31391288). This variant has not been identified in the general population by the Genome Aggregation Database (gnomAD). The available evidence is insufficient to determine the role of this variant in disease conclusively. Therefore, this variant is classified as a Variant of Uncertain Significance.

Ambry Genetics
Classification: Uncertain significance for Hereditary cancer-predisposing syndrome. Last evaluated: 2023-12-22. Review status: criteria provided, single submitter. Criteria: Ambry Variant Classification Scheme 2023. Collection method: clinical testing. Allele origin: germline.
Comment: The p.L423V variant (also known as c.1267C>G), located in coding exon 4 of the MSH6 gene, results from a C to G substitution at nucleotide position 1267. The leucine at codon 423 is replaced by valine, an amino acid with highly similar properties. This amino acid position is not well conserved in available vertebrate species. In addition, this alteration is predicted to be tolerated by in silico analysis. Since supporting evidence is limited at this time, the clinical significance of this alteration remains unclear.

GeneDx
Classification: Uncertain significance. Last evaluated: 2022-09-21. Review status: criteria provided, single submitter. Criteria: GeneDx Variant Classification Process June 2021. Collection method: clinical testing. Allele origin: germline. Affected: yes.
Comment: Not observed at significant frequency in large population cohorts (gnomAD); In silico analysis supports that this missense variant does not alter protein structure/function; Has not been previously published as pathogenic or benign to our knowledge; This variant is associated with the following publications: (PMID: 17531815, 21120944)

Women's Health and Genetics/Laboratory Corporation of America, LabCorp
Classification: Uncertain significance. Last evaluated: 2016-04-18. Review status: criteria provided, single submitter. Criteria: LabCorp Variant Classification Summary - May 2015. Collection method: clinical testing. Allele origin: germline.
Comment: Variant summary: The MSH6 c.1267C>G variant affects a non-conserved nucleotide, resulting in amino acid change from Leu to Val. 3/3 in-silico tools predict benign outcome for this variant (SNPs&GO and Mutation Taster were not captured due to low reliability index/p-value). This variant was not found in 121330 control chromosomes. In addition, one clinical laboratory classified this variant as a VUS. The variant of interest has not, to our knowledge, been reported in affected individuals via publications and/or reputable databases/clinical laboratories; nor evaluated for functional impact by in vivo/vitro studies. Because of the absence of clinical information and the lack of functional studies, the variant was classified as a variant of uncertain significance (VUS) until additional information becomes available.

Literature cited by the submitters: PubMed 31391288 (cited by Color Diagnostics, LLC DBA Color Health).